The following is an entry in ClinVar:

ClinVar aggregate classification (germline): Uncertain significance (1 of 4 stars; one submission).

Conditions:
Arrhythmogenic cardiomyopathy with wooly hair and keratoderma. Also called: Carvajal syndrome; Dilated cardiomyopathy with woolly hair and keratoderma; Arrhythmogenic cardiomyopathy with woolly hair and keratoderma; PALMOPLANTAR KERATODERMA WITH LEFT VENTRICULAR CARDIOMYOPATHY AND WOOLLY HAIR. Identifiers: Orphanet 65282, MedGen C1854063, MONDO:0011581, OMIM 605676.
Arrhythmogenic right ventricular dysplasia 8 (ARVD8). Also called: Arrhythmogenic Right Ventricular Dysplasia/Cardiomyopathy 8; ARRHYTHMOGENIC RIGHT VENTRICULAR DYSPLASIA, FAMILIAL, 8; ARRHYTHMOGENIC RIGHT VENTRICULAR CARDIOMYOPATHY 8. Identifiers: MedGen C1843896, MONDO:0011831, OMIM 607450.

Submission:

Labcorp Genetics (formerly Invitae), Labcorp
Classification: Uncertain significance for Arrhythmogenic cardiomyopathy with wooly hair and keratoderma; Arrhythmogenic right ventricular dysplasia 8. Last evaluated: 2021-09-01. Review status: criteria provided, single submitter. Criteria: Invitae Variant Classification Sherloc (09022015). Collection method: clinical testing. Allele origin: germline.
Comment: This sequence change falls in intron 20 of the DSP gene. It does not directly change the encoded amino acid sequence of the DSP protein. It affects a nucleotide within the consensus splice site of the intron. This variant is not present in population databases (ExAC no frequency). This variant has not been reported in the literature in individuals affected with DSP-related conditions. Variants that disrupt the consensus splice site are a relatively common cause of aberrant splicing (PMID: 17576681, 9536098). Algorithms developed to predict the effect of sequence changes on RNA splicing suggest that this variant is not likely to affect RNA splicing. In summary, the available evidence is currently insufficient to determine the role of this variant in disease. Therefore, it has been classified as a Variant of Uncertain Significance.

Literature cited by the submitters: PubMed 17576681; PubMed 9536098.

NM_004415.4(DSP):c.2877+6T>A

Gene: DSP (desmoplakin; plus strand). Cytogenetic location: 6p24.3.
Variant type: single nucleotide variant.
Coding change: c.2877+6T>A on transcript NM_004415.4 (MANE Select); 6 bases into the intron after coding-DNA position 2877, T replaced by A.
Molecular consequence: intron variant.
Genome position (GRCh38, 1-based): chr6:7,577,048, T>A. VCF-style: chr6-7577048-T-A. GRCh37 (hg19) VCF-style: chr6-7577281-T-A.
Other names: c.2877+6T>A (NM_001319034.2, NM_001008844.3).
Identifiers: ClinVar variation 1054107 (VCV001054107.6), dbSNP rs1331983690, ClinGen allele CA2499218546.